The following is an entry in ClinVar:

NM_182919.4(TICAM1):c.902C>T (p.Pro301Leu)

Gene: TICAM1 (TIR domain containing adaptor molecule 1; minus strand). Cytogenetic location: 19p13.3.
Variant type: single nucleotide variant.
Coding change: c.902C>T on transcript NM_182919.4 (MANE Select); coding-DNA position 902, C replaced by T.
Protein change: p.Pro301Leu; replaces proline 301 with leucine.
Molecular consequence: missense variant.
Genome position (GRCh38, 1-based): chr19:4,817,476, G>A on the plus strand (C>T on the coding strand, the complement: TICAM1 is on the minus strand). VCF-style: chr19-4817476-G-A. GRCh37 (hg19) VCF-style: chr19-4817488-G-A.
Other names: c.860C>T, p.Pro287Leu (NM_001385678.1); c.767C>T, p.Pro256Leu (NM_001385679.1); c.260C>T, p.Pro87Leu (NM_001385680.1); short protein forms P256L, P87L, P301L, P287L.
Identifiers: ClinVar variation 1423151 (VCV001423151.8), dbSNP rs749133560, ClinGen allele CA403491373.

ClinVar aggregate classification (germline): Uncertain significance (1 of 4 stars; one submission).

Conditions:
Encephalopathy, acute, infection-induced (herpes-specific), susceptibility to, 6. Also called: Herpes simplex encephalitis, susceptibility to, 4. Identifiers: Orphanet 1930, MedGen C3553869, MONDO:0013921, OMIM 614850.

Allele frequency attached by ClinVar (database versions not stated): gnomAD exomes below 0.00001.
gnomAD v4.1: 1 of 1,614,116 alleles (0.000062%); highest among the groups gnomAD compares: Admixed American, 0.0017%; no homozygotes.

Submission:

Labcorp Genetics (formerly Invitae), Labcorp
Classification: Uncertain significance for Encephalopathy, acute, infection-induced (herpes-specific), susceptibility to, 6. Last evaluated: 2021-01-02. Review status: criteria provided, single submitter. Criteria: Invitae Variant Classification Sherloc (09022015). Collection method: clinical testing. Allele origin: germline.
Comment: This sequence change replaces proline with leucine at codon 301 of the TICAM1 protein (p.Pro301Leu). The proline residue is moderately conserved and there is a moderate physicochemical difference between proline and leucine. This variant is not present in population databases (ExAC no frequency). This variant has not been reported in the literature in individuals with TICAM1-related conditions. Algorithms developed to predict the effect of missense changes on protein structure and function are either unavailable or do not agree on the potential impact of this missense change (SIFT: "Tolerated"; PolyPhen-2: "Probably Damaging"; Align-GVGD: "Class C0"). In summary, the available evidence is currently insufficient to determine the role of this variant in disease. Therefore, it has been classified as a Variant of Uncertain Significance.